The following is an entry in ClinVar:

ClinVar aggregate classification (germline): Conflicting classifications of pathogenicity. Review status: criteria provided, conflicting classifications (1 of 4 stars). 7 submissions from 7 submitters: Pathogenic (1); Uncertain significance (5). 1 of the submissions does not count toward it. Last evaluated 2026-06-01.

Conditions:
COL4A3-related disorder. Also called: COL4A3-related condition; COL4A3-Related Disorders.
Alport syndrome. Also called: Hemorrhagic familial nephritis; Hemorrhagic hereditary nephritis; Congenital hereditary hematuria. Identifiers: Orphanet 63, MedGen C1567741, MONDO:0018965.
Alport syndrome 3b, autosomal recessive. Identifiers: MedGen C5882699, MONDO:0957811, OMIM 620536.
Autosomal recessive Alport syndrome (ATS2). Also called: COL4A4 Alport Syndrome and Thin Basement Membrane Nephropathy; ALPORT SYNDROME 2, AUTOSOMAL RECESSIVE; COL4A3-Related Nephropathy; Alport syndrome type 2. Identifiers: Orphanet 63, Orphanet 88919, MedGen C4746745, MONDO:0008762, OMIM 203780.

Allele frequency attached by ClinVar (database versions not stated): TOPMed below 0.00001; gnomAD exomes 0.00001.

Submissions (7):

Women's Health and Genetics/Laboratory Corporation of America, LabCorp
Classification: Uncertain significance. Last evaluated: 2026-06-01. Review status: criteria provided, single submitter. Criteria: LabCorp Variant Classification Summary - May 2015. Collection method: clinical testing. Allele origin: germline.
Comment: Variant summary: COL4A3 c.2827G>A (p.Gly943Arg) results in a non-conservative amino acid change in the encoded protein sequence. Algorithms developed to predict the effect of missense changes on protein structure and function all suggest that this variant is likely to be disruptive. The variant allele was found at a frequency of 8e-06 in 249332 control chromosomes. The available data on variant occurrences in the general population are insufficient to allow any conclusion about variant significance. c.2827G>A has been observed in individual(s) affected with COL4A3-related conditions without strong evidence for causality as a heterozygous or unknown genotype (e.g. Miyagawa_2013, Xie_2014, Kim_2021, Kim_2022, Bayanova_2025). These report(s) do not provide unequivocal conclusions about association of the variant with disease. To our knowledge, no experimental evidence demonstrating an impact on protein function has been reported. The following publications have been ascertained in the context of this evaluation (PMID: 41194031, 34593925, 35864128, 23967202, 25596306). ClinVar contains an entry for this variant (Variation ID: 554007). Based on the evidence outlined above, the variant was classified as uncertain significance.

3billion
Classification: Uncertain significance for Alport syndrome 3b, autosomal recessive. Last evaluated: 2026-01-06. Review status: criteria provided, single submitter. Criteria: ACMG Guidelines, 2015. Collection method: clinical testing. Allele origin: germline. Affected: yes.
Comment: The variant is observed at an extremely low frequency in the gnomAD v4.1.0 dataset (total allele frequency: 0.002%). Predicted Consequence/Location: Missense variant In silico tool predictions suggest damaging effect of the variant on gene or gene product [REVEL: 0.95 (>=0.6, sensitivity 0.68 and specificity 0.92); 3Cnet: 0.88 (> 0.75, sensitivity 0.96 and precision 0.92)]. The same nucleotide change resulting in the same amino acid change has been previously reported to be associated with COL4A3-related disorder (PMID: 23967202). Therefore, this variant is classified as VUS according to the recommendation of ACMG/AMP guideline.

GeneDx
Classification: Uncertain significance. Last evaluated: 2025-04-07. Review status: criteria provided, single submitter. Criteria: GeneDx Variant Classification Process June 2021. Collection method: clinical testing. Allele origin: germline.
Comment: Identified in a patient with early onset hearing loss and in an unrelated patient with focal segmental glomerulosclerosis in published literature (PMID: 25596306, 23967202); Not observed at significant frequency in large population cohorts (gnomAD); In silico analysis supports that this missense variant has a deleterious effect on protein structure/function; This variant is associated with the following publications: (PMID: 25888712, 23967202, 25596306)

PreventionGenetics, part of Exact Sciences
Classification: Pathogenic for COL4A3-related condition. Last evaluated: 2025-03-02. Review status: criteria provided, single submitter. Criteria: ACMG Guidelines, 2015. Collection method: clinical testing. Allele origin: germline.
Comment: The COL4A3 c.2827G>A variant is predicted to result in the amino acid substitution p.Gly943Arg. This variant occurs at the conserved triple helical domain (residues 43-1438) of the COL4A3 protein, where substitutions of the glycine (Gly) residue are usually pathogenic (Hudson et al. 1993. PubMed ID: 8253711). This variant has been reported in the heterozygous state in individuals with deafness or focal segmental glomerulosclerosis (FSGS) (Table S2, Miyagawa et al. 2013. PubMed ID: 23967202; Xie et al. 2014. PubMed ID: 25596306). In addition, at other glycine (Gly) residues within this domain, substitutions of a glycine (Gly) with an arginine (Arg) have been widely reported to be pathogenic for autosomal dominant or recessive COL4A3 nephropathy (see for example, p.Gly801Arg in Xie et al. 2014. PubMed ID: 25596306, autosomal dominant; p.Gly818Arg in Connaughton et al. 2019. PubMed ID: 30773290, autosomal dominant; p.Gly640Arg in Storey et al. 2013. PubMed ID: 24052634, autosomal recessive). Therefore, the c.2827G>A (p.Gly943Arg) variant is interpreted as pathogenic for both autosomal dominant and recessive COL4A3 nephropathy.

Blueprint Genetics
Classification: Uncertain significance. Last evaluated: 2023-06-19. Review status: criteria provided, single submitter. Criteria: ACMG Guidelines, 2015. Collection method: clinical testing. Allele origin: germline.

Illumina Laboratory Services, Illumina
Classification: Uncertain significance for Alport syndrome. Last evaluated: 2017-04-27. Review status: criteria provided, single submitter. Criteria: ICSL Variant Classification Criteria 13 December 2019. Collection method: clinical testing. Allele origin: germline.
Comment: This variant was observed as part of a predisposition screen in an ostensibly healthy population. A literature search was performed for the gene, cDNA change, and amino acid change (where applicable). Publications were found based on this search. However, the evidence from the literature, in combination with allele frequency data from public databases where available, was not sufficient to rule this variant in or out of causing disease. Therefore, this variant is classified as a variant of unknown significance.

Counsyl
Classification: Uncertain significance for Autosomal recessive Alport syndrome. Last evaluated: 2017-09-21. Review status: no assertion criteria provided. Collection method: clinical testing. Allele origin: unknown. Not counted in ClinVar's aggregate classification.

Literature cited by the submitters: PubMed 23967202 (cited by 3 submitters); PubMed 25596306 (cited by Women's Health and Genetics/Laboratory Corporation of America, LabCorp and Illumina Laboratory Services, Illumina); PubMed 35864128 (cited by Women's Health and Genetics/Laboratory Corporation of America, LabCorp); PubMed 34593925 (cited by Women's Health and Genetics/Laboratory Corporation of America, LabCorp); PubMed 41194031 (cited by Women's Health and Genetics/Laboratory Corporation of America, LabCorp); PubMed 25888712 (cited by Illumina Laboratory Services, Illumina).

NM_000091.5(COL4A3):c.2827G>A (p.Gly943Arg)

Genes: COL4A3 (collagen type IV alpha 3 chain; plus strand), MFF-DT (MFF divergent transcript; minus strand). Cytogenetic location: 2q36.3.
Variant type: single nucleotide variant.
Coding change: c.2827G>A on transcript NM_000091.5 (MANE Select); coding-DNA position 2827, G replaced by A.
Protein change: p.Gly943Arg; replaces glycine 943 with arginine.
Molecular consequence: missense variant.
Genome position (GRCh38, 1-based): chr2:227,284,291, G>A. VCF-style: chr2-227284291-G-A. GRCh37 (hg19) VCF-style: chr2-228149007-G-A.
Other names: short protein forms G943R.
Identifiers: ClinVar variation 554007 (VCV000554007.11), dbSNP rs1265432530, ClinGen allele CA350852193.